The following is an entry in ClinVar:

NM_016151.4(TAOK2):c.2830C>G (p.Pro944Ala)

Gene: TAOK2 (TAO kinase 2; plus strand). Cytogenetic location: 16p11.2.
Variant type: single nucleotide variant.
Coding change: c.2830C>G on transcript NM_016151.4 (MANE Select); coding-DNA position 2830, C replaced by G.
Protein change: p.Pro944Ala; replaces proline 944 with alanine.
Molecular consequence: missense variant. On other transcripts: intron variant (1).
Genome position (GRCh38, 1-based): chr16:29,987,102, C>G. VCF-style: chr16-29987102-C-G. GRCh37 (hg19) VCF-style: chr16-29998423-C-G.
Other names: c.2491C>G, p.Pro831Ala (NM_001252043.2); c.2232+598C>G (NM_004783.4); short protein forms P831A, P944A.
Identifiers: ClinVar variation 4779127 (VCV004779127.1).

ClinVar aggregate classification (germline): Uncertain significance (1 of 4 stars; one submission).

Submission:

Labcorp Genetics (formerly Invitae), Labcorp
Classification: Uncertain significance. Last evaluated: 2025-03-13. Review status: criteria provided, single submitter. Criteria: Invitae Variant Classification Sherloc (09022015). Collection method: clinical testing. Allele origin: germline.
Comment: This sequence change replaces proline, which is neutral and non-polar, with alanine, which is neutral and non-polar, at codon 944 of the TAOK2 protein (p.Pro944Ala). This variant is not present in population databases (gnomAD no frequency). This variant has not been reported in the literature in individuals affected with TAOK2-related conditions. An algorithm developed to predict the effect of missense changes on protein structure and function (PolyPhen-2) suggests that this variant is likely to be tolerated. In summary, the available evidence is currently insufficient to determine the role of this variant in disease. Therefore, it has been classified as a Variant of Uncertain Significance.